The following is an entry in ClinVar:

NM_005120.3(MED12):c.707C>T (p.Thr236Ile)

Gene: MED12 (mediator complex subunit 12; plus strand). Cytogenetic location: Xq13.1.
Variant type: single nucleotide variant.
Coding change: c.707C>T on transcript NM_005120.3 (MANE Select); coding-DNA position 707, C replaced by T.
Protein change: p.Thr236Ile; replaces threonine 236 with isoleucine.
Molecular consequence: missense variant.
Genome position (GRCh38, 1-based): chrX:71,121,124, C>T. VCF-style: chrX-71121124-C-T. GRCh37 (hg19) VCF-style: chrX-70340974-C-T.
Other names: c.707C>T (NM_005120.2); short protein forms T236I.
Identifiers: ClinVar variation 1371988 (VCV001371988.7), dbSNP rs1278481602, ClinGen allele CA413501091.
Genomic context (GRCh38, chrX:71,121,124, plus strand): 5'-GTTCCACGATAGGGCCCTTGCCCCATGATGTAGAGGTGGCAATCCGGCAGTGGGATTACA[C>T]CGAGAAGCTGGCCATGTTCATGTTTCAGGTAGAGAGTAGGGCATGCTGTGTGGGGCATTG-3'
Protein context (NP_005111.2, residues 226-246): VEVAIRQWDY[Thr236Ile]EKLAMFMFQD

ClinVar aggregate classification (germline): Uncertain significance. Review status: criteria provided, multiple submitters, no conflicts (2 of 4 stars). 2 submissions from 2 submitters: Uncertain significance (2). Last evaluated 2023-06-29.

Conditions:
MED12-Related Disorders. Also called: MED12-related condition; MED12-related disorder. Identifiers: MedGen CN381102.
FG syndrome (FGS). Identifiers: MedGen C0220769, MONDO:0002010.

Allele frequency attached by ClinVar (database versions not stated): gnomAD 0.00001; TOPMed 0.00001.
gnomAD v4.1: 1 of 1,208,843 alleles (0.000083%); highest among the groups gnomAD compares: Non-Finnish European, 0.00011%; no homozygotes.

Submissions (2):

PreventionGenetics, part of Exact Sciences
Classification: Uncertain significance for MED12-related condition. Last evaluated: 2023-06-29. Review status: criteria provided, single submitter. Criteria: ACMG Guidelines, 2015. Collection method: clinical testing. Allele origin: germline.
Comment: The MED12 c.707C>T variant is predicted to result in the amino acid substitution p.Thr236Ile. To our knowledge, this variant has not been reported in the literature or in a large population database, indicating this variant is rare. At this time, the clinical significance of this variant is uncertain due to the absence of conclusive functional and genetic evidence.

Labcorp Genetics (formerly Invitae), Labcorp
Classification: Uncertain significance for FG syndrome. Last evaluated: 2021-08-02. Review status: criteria provided, single submitter. Criteria: Invitae Variant Classification Sherloc (09022015). Collection method: clinical testing. Allele origin: germline.
Comment: In summary, the available evidence is currently insufficient to determine the role of this variant in disease. Therefore, it has been classified as a Variant of Uncertain Significance. Advanced modeling of protein sequence and biophysical properties (such as structural, functional, and spatial information, amino acid conservation, physicochemical variation, residue mobility, and thermodynamic stability) performed at Invitae indicates that this missense variant is not expected to disrupt MED12 protein function. This variant has not been reported in the literature in individuals affected with MED12-related conditions. This variant is not present in population databases (ExAC no frequency). This sequence change replaces threonine with isoleucine at codon 236 of the MED12 protein (p.Thr236Ile). The threonine residue is weakly conserved and there is a moderate physicochemical difference between threonine and isoleucine.